The following is an entry in ClinVar:

NM_001330691.3(CEP78):c.59A>T (p.Glu20Val)

Gene: CEP78 (centrosomal protein 78; plus strand). Cytogenetic location: 9q21.2.
Variant type: single nucleotide variant.
Coding change: c.59A>T on transcript NM_001330691.3 (MANE Select); coding-DNA position 59, A replaced by T.
Protein change: p.Glu20Val; replaces glutamic acid 20 with valine.
Molecular consequence: missense variant.
Genome position (GRCh38, 1-based): chr9:78,236,409, A>T. VCF-style: chr9-78236409-A-T. GRCh37 (hg19) VCF-style: chr9-80851325-A-T.
Other names: c.59A>T, p.Glu20Val (NM_001098802.3, NM_001330693.3, NM_001330694.2 and 4 more transcripts); short protein forms E20V.
Identifiers: ClinVar variation 1349363 (VCV001349363.6), dbSNP rs187080779, ClinGen allele CA5094794.
Genomic context (GRCh38, chr9:78,236,409, plus strand): 5'-CCATGATCGACTCCGTGAAGCTGCGCCGCGACAGCGCGGCGGACTTCTTCTCCCACTACG[A>T]GTACCTGTGCGCGCTGCAGAACTCGGTGCCGCTGCCCGCCGTGCGCGCCTGTCTCCGGGA-3'
Protein context (NP_001317620.1, residues 10-30): DSAADFFSHY[Glu20Val]YLCALQNSVP

ClinVar aggregate classification (germline): Uncertain significance (1 of 4 stars; one submission).

Allele frequency attached by ClinVar (database versions not stated): gnomAD 0.00001; TOPMed 0.00001; gnomAD exomes 0.00006; 1000 Genomes Project 30x 0.00016; ExAC 0.00016; 1000 Genomes Project 0.00020.
gnomAD v4.1: 15 of 1,598,418 alleles (0.00094%); highest among the groups gnomAD compares: Admixed American, 0.026%; no homozygotes.

Submission:

Labcorp Genetics (formerly Invitae), Labcorp
Classification: Uncertain significance. Last evaluated: 2022-08-06. Review status: criteria provided, single submitter. Criteria: Invitae Variant Classification Sherloc (09022015). Collection method: clinical testing. Allele origin: germline.
Comment: This sequence change replaces glutamic acid, which is acidic and polar, with valine, which is neutral and non-polar, at codon 20 of the CEP78 protein (p.Glu20Val). This variant is present in population databases (rs187080779, gnomAD 0.04%). This variant has not been reported in the literature in individuals affected with CEP78-related conditions. ClinVar contains an entry for this variant (Variation ID: 1349363). Algorithms developed to predict the effect of missense changes on protein structure and function are either unavailable or do not agree on the potential impact of this missense change (SIFT: "Tolerated"; PolyPhen-2: "Probably Damaging"; Align-GVGD: "Class C0"). In summary, the available evidence is currently insufficient to determine the role of this variant in disease. Therefore, it has been classified as a Variant of Uncertain Significance.